The following is an entry in ClinVar:

ClinVar aggregate classification (germline): Uncertain significance (1 of 4 stars; one submission).

Allele frequency attached by ClinVar (database versions not stated): TOPMed below 0.00001.

Submission:

Labcorp Genetics (formerly Invitae), Labcorp
Classification: Uncertain significance. Last evaluated: 2023-09-10. Review status: criteria provided, single submitter. Criteria: Invitae Variant Classification Sherloc (09022015). Collection method: clinical testing. Allele origin: germline.
Comment: This sequence change replaces threonine, which is neutral and polar, with isoleucine, which is neutral and non-polar, at codon 2460 of the SPEG protein (p.Thr2460Ile). This variant is not present in population databases (gnomAD no frequency). This variant has not been reported in the literature in individuals affected with SPEG-related conditions. An algorithm developed to predict the effect of missense changes on protein structure and function (PolyPhen-2) suggests that this variant is likely to be tolerated. In summary, the available evidence is currently insufficient to determine the role of this variant in disease. Therefore, it has been classified as a Variant of Uncertain Significance.

NM_005876.5(SPEG):c.7379C>T (p.Thr2460Ile)

Genes: ASIC4-AS1 (ASIC4 antisense RNA 1; minus strand), SPEG (striated muscle enriched protein kinase; plus strand). Cytogenetic location: 2q35.
Variant type: single nucleotide variant.
Coding change: c.7379C>T on transcript NM_005876.5 (MANE Select); coding-DNA position 7379, C replaced by T.
Protein change: p.Thr2460Ile; replaces threonine 2460 with isoleucine.
Molecular consequence: missense variant.
Genome position (GRCh38, 1-based): chr2:219,484,842, C>T. VCF-style: chr2-219484842-C-T. GRCh37 (hg19) VCF-style: chr2-220349564-C-T.
Other names: short protein forms T2460I.
Identifiers: ClinVar variation 3009561 (VCV003009561.3), dbSNP rs1238486403, ClinGen allele CA350702201.